The following is an entry in ClinVar:

ClinVar aggregate classification (germline): Uncertain significance (1 of 4 stars; one submission).

gnomAD v4.1: 1 of 1,614,008 alleles (0.000062%); highest among the groups gnomAD compares: South Asian, 0.0011%; no homozygotes.

Submission:

GeneDx
Classification: Uncertain significance. Last evaluated: 2024-08-05. Review status: criteria provided, single submitter. Criteria: GeneDx Variant Classification Process June 2021. Collection method: clinical testing. Allele origin: germline. Affected: yes.
Comment: In silico analysis supports that this missense variant has a deleterious effect on protein structure/function; Has not been previously published as pathogenic or benign to our knowledge

NM_003392.7(WNT5A):c.235C>G (p.Gln79Glu)

Gene: WNT5A (Wnt family member 5A; minus strand). Cytogenetic location: 3p14.3.
Variant type: single nucleotide variant.
Coding change: c.235C>G on transcript NM_003392.7 (MANE Select); coding-DNA position 235, C replaced by G.
Protein change: p.Gln79Glu; replaces glutamine 79 with glutamic acid.
Molecular consequence: missense variant.
Genome position (GRCh38, 1-based): chr3:55,479,470, G>C on the plus strand (C>G on the coding strand, the complement: WNT5A is on the minus strand). VCF-style: chr3-55479470-G-C. GRCh37 (hg19) VCF-style: chr3-55513498-G-C.
Other names: c.190C>G, p.Gln64Glu (NM_001256105.1, NM_001377271.1, NM_001377272.1); short protein forms Q64E, Q79E.
Identifiers: ClinVar variation 3603201 (VCV003603201.1).